The following is an entry in ClinVar:

ClinVar aggregate classification (germline): Uncertain significance (1 of 4 stars; one submission).

gnomAD v4.1: 1 of 1,588,244 alleles (0.000063%); highest among the groups gnomAD compares: Non-Finnish European, 0.000086%; no homozygotes.

Submission:

Labcorp Genetics (formerly Invitae), Labcorp
Classification: Uncertain significance. Last evaluated: 2024-01-02. Review status: criteria provided, single submitter. Criteria: Invitae Variant Classification Sherloc (09022015). Collection method: clinical testing. Allele origin: germline.
Comment: This sequence change replaces alanine, which is neutral and non-polar, with threonine, which is neutral and polar, at codon 703 of the MAGEL2 protein (p.Ala703Thr). This variant is not present in population databases (gnomAD no frequency). This variant has not been reported in the literature in individuals affected with MAGEL2-related conditions. Advanced modeling of protein sequence and biophysical properties (such as structural, functional, and spatial information, amino acid conservation, physicochemical variation, residue mobility, and thermodynamic stability) performed at Invitae indicates that this missense variant is not expected to disrupt MAGEL2 protein function with a negative predictive value of 80%. In summary, the available evidence is currently insufficient to determine the role of this variant in disease. Therefore, it has been classified as a Variant of Uncertain Significance.

NM_019066.5(MAGEL2):c.2107G>A (p.Ala703Thr)

Gene: MAGEL2 (MAGE family member L2; minus strand). Cytogenetic location: 15q11.2.
Variant type: single nucleotide variant.
Coding change: c.2107G>A on transcript NM_019066.5 (MANE Select); coding-DNA position 2107, G replaced by A.
Protein change: p.Ala703Thr; replaces alanine 703 with threonine.
Molecular consequence: missense variant.
Genome position (GRCh38, 1-based): chr15:23,645,636, C>T on the plus strand (G>A on the coding strand, the complement: MAGEL2 is on the minus strand). VCF-style: chr15-23645636-C-T. GRCh37 (hg19) VCF-style: chr15-23890783-C-T.
Other names: short protein forms A703T.
Identifiers: ClinVar variation 2698457 (VCV002698457.3), dbSNP rs2503978304, ClinGen allele CA391332667.
Genomic context (GRCh38, chr15:23,645,636, plus strand): 5'-CCCTGCATTCTCCTGATGGAGTCATCAATGATTTAGCGGAGCCCAGGGGAAAATTTGCCG[C>T]TGCTACCGGGGGTCCGGGCTGGGCCTGCAAGACTGCAGGCGGTGCCTGCCAGGAAGGCTG-3'
Protein context (NP_061939.3, residues 693-713): LQAQPGPPVA[Ala703Thr]ANFPLGSAKS